The following is an entry in ClinVar:

NM_002936.6(RNASEH1):c.288C>T (p.Ser96=)

Gene: RNASEH1 (ribonuclease H1; minus strand). Cytogenetic location: 2p25.3.
Variant type: single nucleotide variant.
Coding change: c.288C>T on transcript NM_002936.6 (MANE Select); coding-DNA position 288, C replaced by T.
Protein change: p.Ser96=; no amino-acid change (serine 96 retained).
Molecular consequence: synonymous variant. On other transcripts: 5 prime UTR variant (1), non-coding transcript variant (7).
Genome position (GRCh38, 1-based): chr2:3,552,265, G>A on the plus strand (C>T on the coding strand, the complement: RNASEH1 is on the minus strand). VCF-style: chr2-3552265-G-A. GRCh37 (hg19) VCF-style: chr2-3599855-G-A.
Other names: p.Ser96=; c.210C>T, p.Ser70= (NM_001286834.3); c.-64C>T (NM_001286837.3); c.288C>T, p.Ser96= (NM_001378271.1, NM_001378272.1, NM_001378273.1); c.288C>T (NM_002936.5).
Identifiers: ClinVar variation 725826 (VCV000725826.39), dbSNP rs146794938, ClinGen allele CA1516337.
Genomic context (GRCh38, chr2:3,552,265, plus strand): 5'-CTTTGCATACGGCTCTGCGCTTTCATGTCCATCTCCATCCAGTGGCTCACGGAGTCGCTT[G>A]CTGGCTTTCGCCTCCGATTCTTGTCCATGTTGATTTTCATGCCCTGAAAGACAAGAGTCC-3'
Protein context (NP_002927.2, residues 86-106): QHGQESEAKA[Ser96=]KRLREPLDGD

ClinVar aggregate classification (germline): Benign/Likely benign. Review status: criteria provided, multiple submitters, no conflicts (2 of 4 stars). 6 submissions from 6 submitters: Benign (4); Likely benign (1). 1 of the submissions does not count toward it. Last evaluated 2026-06-01.

Conditions:
RNASEH1-related disorder. Also called: RNASEH1-related condition.

Allele frequency attached by ClinVar (database versions not stated): ESP Exome Variant Server 0.00238; gnomAD 0.00287; TOPMed 0.00298; 1000 Genomes Project 0.00319; 1000 Genomes Project 30x 0.00359.
gnomAD v4.1: 940 of 1,613,944 alleles (0.058%); highest among the groups gnomAD compares: African/African-American, 1%; 6 homozygotes.

Submissions (10):

CeGaT Center for Human Genetics Tuebingen
Classification: Likely benign. Last evaluated: 2026-06-01. Review status: criteria provided, single submitter. Criteria: CeGaT Center For Human Genetics Tuebingen Variant Classification Criteria Version 2. Collection method: clinical testing. Allele origin: germline. Affected: yes. Observed: 2 variant alleles.
Comment: RNASEH1: BP4, BS1

Labcorp Genetics (formerly Invitae), Labcorp
Classification: Benign. Last evaluated: 2026-02-01. Review status: criteria provided, single submitter. Criteria: Invitae Variant Classification Sherloc (09022015). Collection method: clinical testing. Allele origin: germline.

Mayo Clinic Laboratories, Mayo Clinic
Classification: Benign. Last evaluated: 2023-08-22. Review status: criteria provided, single submitter. Criteria: ACMG Guidelines, 2015. Collection method: clinical testing. Allele origin: germline. Observed: 4 variant alleles.
Comment: BS1, BS2, BP4, BP7

GeneDx
Classification: Benign. Last evaluated: 2019-08-13. Review status: criteria provided, single submitter. Criteria: GeneDx Variant Classification Process June 2021. Collection method: clinical testing. Allele origin: germline. Affected: yes.

Breakthrough Genomics
Classification: Benign. Review status: criteria provided, single submitter. Criteria: ACMG Guidelines, 2015. Collection method: not provided. Allele origin: germline. Inheritance: Autosomal recessive inheritance. Affected: yes.

PreventionGenetics, part of Exact Sciences
Classification: Benign for RNASEH1-related condition. Last evaluated: 2019-08-14. Review status: no assertion criteria provided. Collection method: clinical testing. Allele origin: germline. Not counted in ClinVar's aggregate classification.
Comment: This variant is classified as benign based on ACMG/AMP sequence variant interpretation guidelines (Richards et al. 2015 PMID: 25741868, with internal and published modifications).

Dr. Peter K. Rogan Lab, Western University
No classification provided (evidence only). Condition: Lung cancer. Review status: no classification provided. Collection method: in vitro. Allele origin: not applicable. Functional consequence: retained intron. Not counted in ClinVar's aggregate classification.

Dr. Peter K. Rogan Lab, Western University
No classification provided (evidence only). Condition: Thyroid cancer, nonmedullary, 1. Review status: no classification provided. Collection method: in vitro. Allele origin: not applicable. Functional consequence: retained intron. Not counted in ClinVar's aggregate classification.

Dr. Peter K. Rogan Lab, Western University
No classification provided (evidence only). Condition: Uterine corpus endometrial carcinoma. Review status: no classification provided. Collection method: in vitro. Allele origin: not applicable. Functional consequence: retained intron. Not counted in ClinVar's aggregate classification.

Dr. Peter K. Rogan Lab, Western University
No classification provided (evidence only). Condition: Ovarian serous cystadenocarcinoma. Review status: no classification provided. Collection method: in vitro. Allele origin: not applicable. Functional consequence: retained intron. Not counted in ClinVar's aggregate classification.